The following is an entry in ClinVar:

ClinVar aggregate classification (germline): Uncertain significance (1 of 4 stars; one submission).

gnomAD v4.1: 2 of 1,589,380 alleles (0.00013%); highest among the groups gnomAD compares: Admixed American, 0.0018%; no homozygotes.

Submission:

Labcorp Genetics (formerly Invitae), Labcorp
Classification: Uncertain significance. Last evaluated: 2022-09-27. Review status: criteria provided, single submitter. Criteria: Invitae Variant Classification Sherloc (09022015). Collection method: clinical testing. Allele origin: germline.
Comment: In summary, the available evidence is currently insufficient to determine the role of this variant in disease. Therefore, it has been classified as a Variant of Uncertain Significance. Advanced modeling of protein sequence and biophysical properties (such as structural, functional, and spatial information, amino acid conservation, physicochemical variation, residue mobility, and thermodynamic stability) performed at Invitae indicates that this missense variant is not expected to disrupt CHD8 protein function. This variant has not been reported in the literature in individuals affected with CHD8-related conditions. The frequency data for this variant in the population databases is considered unreliable, as metrics indicate poor data quality at this position in the gnomAD database. This sequence change replaces glycine, which is neutral and non-polar, with serine, which is neutral and polar, at codon 2453 of the CHD8 protein (p.Gly2453Ser).

NM_001170629.2(CHD8):c.7357G>A (p.Gly2453Ser)

Gene: CHD8 (chromodomain helicase DNA binding protein 8; minus strand). Cytogenetic location: 14q11.2.
Variant type: single nucleotide variant.
Coding change: c.7357G>A on transcript NM_001170629.2 (MANE Select); coding-DNA position 7357, G replaced by A.
Protein change: p.Gly2453Ser; replaces glycine 2453 with serine.
Molecular consequence: missense variant.
Genome position (GRCh38, 1-based): chr14:21,386,002, C>T on the plus strand (G>A on the coding strand, the complement: CHD8 is on the minus strand). VCF-style: chr14-21386002-C-T. GRCh37 (hg19) VCF-style: chr14-21854161-C-T.
Other names: c.6520G>A, p.Gly2174Ser (NM_020920.4); short protein forms G2174S, G2453S.
Identifiers: ClinVar variation 2044257 (VCV002044257.4), dbSNP rs1212438664, ClinGen allele CA388875340.